The following is an entry in ClinVar:

NM_006466.4(POLR3F):c.607A>G (p.Met203Val)

Gene: POLR3F (RNA polymerase III subunit F; plus strand). Cytogenetic location: 20p11.23.
Variant type: single nucleotide variant.
Coding change: c.607A>G on transcript NM_006466.4 (MANE Select); coding-DNA position 607, A replaced by G.
Protein change: p.Met203Val; replaces methionine 203 with valine.
Molecular consequence: missense variant. On other transcripts: non-coding transcript variant (1).
Genome position (GRCh38, 1-based): chr20:18,480,435, A>G. VCF-style: chr20-18480435-A-G. GRCh37 (hg19) VCF-style: chr20-18461079-A-G.
Other names: c.484A>G, p.Met162Val (NM_001282526.2); c.463A>G, p.Met155Val (NM_001410821.1); c.607A>G (NM_006466.2); short protein forms M203V, M155V, M162V.
Identifiers: ClinVar variation 2889789 (VCV002889789.4), dbSNP rs774611554, ClinGen allele CA9777566.

ClinVar aggregate classification (germline): Uncertain significance. Review status: criteria provided, multiple submitters, no conflicts (2 of 4 stars). 2 submissions from 2 submitters: Uncertain significance (2). Last evaluated 2025-12-29.

Allele frequency attached by ClinVar (database versions not stated): gnomAD exomes 0.00001; gnomAD 0.00003; TOPMed 0.00003; ExAC 0.00008.

Submissions (2):

Labcorp Genetics (formerly Invitae), Labcorp
Classification: Uncertain significance. Last evaluated: 2025-12-29. Review status: criteria provided, single submitter. Criteria: Invitae Variant Classification Sherloc (09022015). Collection method: clinical testing. Allele origin: germline.
Comment: This sequence change replaces methionine, which is neutral and non-polar, with valine, which is neutral and non-polar, at codon 162 of the POLR3F protein (p.Met162Val). This variant is present in population databases (rs774611554, gnomAD 0.03%). This variant has not been reported in the literature in individuals affected with POLR3F-related conditions. ClinVar contains an entry for this variant (Variation ID: 2889789). An algorithm developed to predict the effect of missense changes on protein structure and function outputs the following: PolyPhen-2: "Not Available". The valine amino acid residue is found in multiple mammalian species, which suggests that this missense change does not adversely affect protein function. In summary, the available evidence is currently insufficient to determine the role of this variant in disease. Therefore, it has been classified as a Variant of Uncertain Significance.

Ambry Genetics
Classification: Uncertain significance. Last evaluated: 2025-06-06. Review status: criteria provided, single submitter. Criteria: Ambry Variant Classification Scheme 2023. Collection method: clinical testing. Allele origin: germline.